The following is an entry in ClinVar:

NM_014270.5(SLC7A9):c.1242C>T (p.Pro414=)

Gene: SLC7A9 (solute carrier family 7 member 9; minus strand). Cytogenetic location: 19q13.11.
Variant type: single nucleotide variant.
Coding change: c.1242C>T on transcript NM_014270.5 (MANE Select); coding-DNA position 1242, C replaced by T.
Protein change: p.Pro414=; no amino-acid change (proline 414 retained).
Molecular consequence: synonymous variant.
Genome position (GRCh38, 1-based): chr19:32,833,306, G>A on the plus strand (C>T on the coding strand, the complement: SLC7A9 is on the minus strand). VCF-style: chr19-32833306-G-A. GRCh37 (hg19) VCF-style: chr19-33324212-G-A.
Other names: c.1242C>T, p.Pro414= (NM_001126335.2, NM_001243036.2); c.1242C>T (NM_014270.4).
Identifiers: ClinVar variation 2064691 (VCV002064691.5), dbSNP rs536084711, ClinGen allele CA9358447.

ClinVar aggregate classification (germline): Likely benign. Review status: criteria provided, multiple submitters, no conflicts (2 of 4 stars). 2 submissions from 2 submitters: Likely benign (2). Last evaluated 2025-05-07.

Conditions:
SLC7A9-related disorder. Also called: SLC7A9-related condition.

Allele frequency attached by ClinVar (database versions not stated): TOPMed 0.00004; gnomAD 0.00006; ExAC 0.00007; 1000 Genomes Project 30x 0.00078; 1000 Genomes Project 0.00080.
gnomAD v4.1: 42 of 1,614,128 alleles (0.0026%); highest among the groups gnomAD compares: South Asian, 0.027%; no homozygotes.

Submissions (2):

PreventionGenetics, part of Exact Sciences
Classification: Likely benign for SLC7A9-related condition. Last evaluated: 2025-05-07. Review status: criteria provided, single submitter. Criteria: ACMG Guidelines, 2015. Collection method: clinical testing. Allele origin: germline.
Comment: This variant is classified as likely benign based on ACMG/AMP sequence variant interpretation guidelines (Richards et al. 2015 PMID: 25741868, with internal and published modifications).

Labcorp Genetics (formerly Invitae), Labcorp
Classification: Likely benign. Last evaluated: 2025-01-15. Review status: criteria provided, single submitter. Criteria: Invitae Variant Classification Sherloc (09022015). Collection method: clinical testing. Allele origin: germline.